The following is an entry in ClinVar:

ClinVar aggregate classification (germline): Benign/Likely benign. Review status: criteria provided, multiple submitters, no conflicts (2 of 4 stars). 2 submissions from 2 submitters: Benign (1); Likely benign (1). Last evaluated 2024-12-01.

Allele frequency attached by ClinVar (database versions not stated): gnomAD 0.00006; TOPMed 0.00006; ESP Exome Variant Server 0.00008; gnomAD exomes 0.00009; ExAC 0.00028.
gnomAD v4.1: 135 of 1,608,342 alleles (0.0084%); highest among the groups gnomAD compares: Non-Finnish European, 0.0099%; no homozygotes.

Submissions (2):

CeGaT Center for Human Genetics Tuebingen
Classification: Likely benign. Last evaluated: 2024-12-01. Review status: criteria provided, single submitter. Criteria: CeGaT Center For Human Genetics Tuebingen Variant Classification Criteria Version 2. Collection method: clinical testing. Allele origin: germline. Affected: yes. Observed: 1 variant allele.
Comment: KMT2B: BP4, BP7

Labcorp Genetics (formerly Invitae), Labcorp
Classification: Benign. Last evaluated: 2023-09-25. Review status: criteria provided, single submitter. Criteria: Invitae Variant Classification Sherloc (09022015). Collection method: clinical testing. Allele origin: germline.

NM_014727.3(KMT2B):c.2265A>G (p.Pro755=)

Gene: KMT2B (lysine methyltransferase 2B; plus strand). Cytogenetic location: 19q13.12.
Variant type: single nucleotide variant.
Coding change: c.2265A>G on transcript NM_014727.3 (MANE Select); coding-DNA position 2265, A replaced by G.
Protein change: p.Pro755=; no amino-acid change (proline 755 retained).
Molecular consequence: synonymous variant.
Genome position (GRCh38, 1-based): chr19:35,721,612, A>G. VCF-style: chr19-35721612-A-G. GRCh37 (hg19) VCF-style: chr19-36212514-A-G.
Identifiers: ClinVar variation 2190013 (VCV002190013.17), dbSNP rs371140651, ClinGen allele CA9384387.